The following is an entry in ClinVar:

ClinVar aggregate classification (germline): Pathogenic. Review status: no assertion criteria provided (0 of 4 stars). 2 submissions from 2 submitters: Pathogenic (2). Last evaluated 2015-12-04.

Conditions:
Ethylmalonic encephalopathy (EE). Also called: EPEMA syndrome; Encephalopathy, petechiae, and ethylmalonic aciduria; Syndrome of encephalopathy, petechiae, and ethylmalonic aciduria. Identifiers: Orphanet 51188, MedGen C1865349, MONDO:0011229, OMIM 602473. Disease mechanism: loss of function.

Submissions (2):

Baylor Genetics
Classification: Pathogenic for Ethylmalonic encephalopathy. Last evaluated: 2015-12-04. Review status: no assertion criteria provided. Collection method: clinical testing. Allele origin: germline. Inheritance: Autosomal recessive inheritance. Affected: yes. Observed: 1 variant allele, 1 homozygote.

OMIM
Classification: Pathogenic for ENCEPHALOPATHY, ETHYLMALONIC. Last evaluated: 2011-04-01. Review status: no assertion criteria provided. Collection method: literature only. Allele origin: germline.

Literature cited by the submitters: PubMed 14732903 (cited by Baylor Genetics and OMIM); PubMed 20528888 (cited by Baylor Genetics and OMIM); PubMed 18593870 (cited by OMIM).

NC_000019.9:g.(?_44015589)_(44015719_?)del

Gene: ETHE1 (ETHE1 persulfide dioxygenase; minus strand). Cytogenetic location: 19q13.31.
Variant type: Deletion.
Other names: EX4DEL.
Identifiers: ClinVar variation 374299 (VCV000374299.4).